The following is an entry in ClinVar:

ClinVar aggregate classification (germline): Uncertain significance (1 of 4 stars; one submission).

Conditions:
Hereditary pheochromocytoma and paraganglioma. Also called: Hereditary paragangliomas and pheochromocytomas; Hereditary Paraganglioma-Pheochromocytoma Syndromes; Hereditary pheochromocytoma-paraganglioma. Identifiers: Orphanet 29072, MedGen C4274332, MONDO:0017366.

Allele frequency attached by ClinVar (database versions not stated): TOPMed below 0.00001.

Submission:

Labcorp Genetics (formerly Invitae), Labcorp
Classification: Uncertain significance for Hereditary pheochromocytoma and paraganglioma. Last evaluated: 2022-08-20. Review status: criteria provided, single submitter. Criteria: Invitae Variant Classification Sherloc (09022015). Collection method: clinical testing. Allele origin: germline.
Comment: In summary, the available evidence is currently insufficient to determine the role of this variant in disease. Therefore, it has been classified as a Variant of Uncertain Significance. Algorithms developed to predict the effect of missense changes on protein structure and function (SIFT, PolyPhen-2, Align-GVGD) all suggest that this variant is likely to be disruptive. This variant is not present in population databases (gnomAD no frequency). This variant has not been reported in the literature in individuals affected with TMEM127-related conditions. This sequence change replaces proline, which is neutral and non-polar, with serine, which is neutral and polar, at codon 233 of the TMEM127 protein (p.Pro233Ser).

NM_017849.4(TMEM127):c.697C>T (p.Pro233Ser)

Gene: TMEM127 (transmembrane protein 127; minus strand). Cytogenetic location: 2q11.2.
Variant type: single nucleotide variant.
Coding change: c.697C>T on transcript NM_017849.4 (MANE Select); coding-DNA position 697, C replaced by T.
Protein change: p.Pro233Ser; replaces proline 233 with serine.
Molecular consequence: missense variant.
Genome position (GRCh38, 1-based): chr2:96,253,828, G>A on the plus strand (C>T on the coding strand, the complement: TMEM127 is on the minus strand). VCF-style: chr2-96253828-G-A. GRCh37 (hg19) VCF-style: chr2-96919566-G-A.
Other names: c.697C>T, p.Pro233Ser (NM_001193304.3); c.445C>T, p.Pro149Ser (NM_001407282.1, NM_001407283.1); short protein forms P149S, P233S.
Identifiers: ClinVar variation 2047277 (VCV002047277.4), dbSNP rs1684140301, ClinGen allele CA347650987.
Genomic context (GRCh38, chr2:96,253,828, plus strand): 5'-TGAGGGAGGGGCTGCCGAGGAAGAGAGCCCAGGGCTGGCATTAGGGTGTGTAAGCAGGGG[G>A]TGGCTGGAACTGGTTGATGACCTCATATTCCGCCGGGTAGGGCTCGTTCTCTTCCATCTC-3'
Protein context (NP_060319.1, residues 223-238): EYEVINQFQP[Pro233Ser]PAYTP